The following is an entry in ClinVar:

NM_000440.3(PDE6A):c.1264-6T>A

Gene: PDE6A (phosphodiesterase 6A; minus strand). Cytogenetic location: 5q32.
Variant type: single nucleotide variant.
Coding change: c.1264-6T>A on transcript NM_000440.3 (MANE Select); 6 bases into the intron before coding-DNA position 1264, T replaced by A.
Molecular consequence: intron variant.
Genome position (GRCh38, 1-based): chr5:149,898,512, A>T on the plus strand (T>A on the coding strand, the complement: PDE6A is on the minus strand). VCF-style: chr5-149898512-A-T. GRCh37 (hg19) VCF-style: chr5-149278075-A-T.
Identifiers: ClinVar variation 935281 (VCV000935281.9), dbSNP rs1475526153, ClinGen allele CA563560559.

ClinVar aggregate classification (germline): Uncertain significance (1 of 4 stars; one submission).

Allele frequency attached by ClinVar (database versions not stated): gnomAD 0.00001; TOPMed 0.00001.

Submission:

Labcorp Genetics (formerly Invitae), Labcorp
Classification: Uncertain significance. Last evaluated: 2022-10-25. Review status: criteria provided, single submitter. Criteria: Invitae Variant Classification Sherloc (09022015). Collection method: clinical testing. Allele origin: germline.
Comment: This variant has not been reported in the literature in individuals affected with PDE6A-related conditions. ClinVar contains an entry for this variant (Variation ID: 935281). Algorithms developed to predict the effect of sequence changes on RNA splicing suggest that this variant may disrupt the consensus splice site. In summary, the available evidence is currently insufficient to determine the role of this variant in disease. Therefore, it has been classified as a Variant of Uncertain Significance. This variant is present in population databases (no rsID available, gnomAD 0.01%). This sequence change falls in intron 9 of the PDE6A gene. It does not directly change the encoded amino acid sequence of the PDE6A protein.